The following is an entry in ClinVar:

NM_000936.4(PNLIP):c.116G>A (p.Arg39Lys)

Gene: PNLIP (pancreatic lipase; plus strand). Cytogenetic location: 10q25.3.
Variant type: single nucleotide variant.
Coding change: c.116G>A on transcript NM_000936.4 (MANE Select); coding-DNA position 116, G replaced by A.
Protein change: p.Arg39Lys; replaces arginine 39 with lysine.
Molecular consequence: missense variant.
Genome position (GRCh38, 1-based): chr10:116,547,363, G>A. VCF-style: chr10-116547363-G-A. GRCh37 (hg19) VCF-style: chr10-118306875-G-A.
Other names: short protein forms R39K.
Identifiers: ClinVar variation 2829267 (VCV002829267.3), dbSNP rs2493043227, ClinGen allele CA378490243.

ClinVar aggregate classification (germline): Uncertain significance (1 of 4 stars; one submission).

Submission:

Labcorp Genetics (formerly Invitae), Labcorp
Classification: Uncertain significance. Last evaluated: 2023-01-16. Review status: criteria provided, single submitter. Criteria: Invitae Variant Classification Sherloc (09022015). Collection method: clinical testing. Allele origin: germline.
Comment: This sequence change replaces arginine, which is basic and polar, with lysine, which is basic and polar, at codon 39 of the PNLIP protein (p.Arg39Lys). This variant is not present in population databases (gnomAD no frequency). This variant has not been reported in the literature in individuals affected with PNLIP-related conditions. Algorithms developed to predict the effect of missense changes on protein structure and function are either unavailable or do not agree on the potential impact of this missense change (SIFT: "Not Available"; PolyPhen-2: "Probably Damaging"; Align-GVGD: "Not Available"). In summary, the available evidence is currently insufficient to determine the role of this variant in disease. Therefore, it has been classified as a Variant of Uncertain Significance.